The following is an entry in ClinVar:

ClinVar aggregate classification (germline): Conflicting classifications of pathogenicity. Review status: criteria provided, conflicting classifications (1 of 4 stars). 6 submissions from 6 submitters: Uncertain significance (1); Likely benign (4). 1 of the submissions does not count toward it. Last evaluated 2026-01-06.

Conditions:
Bleeding disorder, platelet-type, 21 (BDPLT21). Identifiers: MedGen C4479515, MONDO:0054577, OMIM 617443.
FLI1-related disorder. Also called: FLI1-related condition.

Allele frequency attached by ClinVar (database versions not stated): gnomAD exomes 0.00025; ExAC 0.00037; ESP Exome Variant Server 0.00055; 1000 Genomes Project 0.00080; 1000 Genomes Project 30x 0.00094; TOPMed 0.00100; gnomAD 0.00105 and 0.00110.
gnomAD v4.1: 353 of 1,613,352 alleles (0.022%); highest among the groups gnomAD compares: African/African-American, 0.28%; no homozygotes.

Submissions (6):

Labcorp Genetics (formerly Invitae), Labcorp
Classification: Likely benign. Last evaluated: 2026-01-06. Review status: criteria provided, single submitter. Criteria: Invitae Variant Classification Sherloc (09022015). Collection method: clinical testing. Allele origin: germline.

Blueprint Genetics
Classification: Likely benign. Last evaluated: 2024-10-15. Review status: criteria provided, single submitter. Criteria: ACMG Guidelines, 2015. Collection method: clinical testing. Allele origin: germline.

Women's Health and Genetics/Laboratory Corporation of America, LabCorp
Classification: Likely benign. Last evaluated: 2024-10-14. Review status: criteria provided, single submitter. Criteria: LabCorp Variant Classification Summary - May 2015. Collection method: clinical testing. Allele origin: germline.
Comment: Variant summary: FLI1 c.74C>T (p.Ala25Val) results in a non-conservative amino acid change in the encoded protein sequence. Three of five in-silico tools predict a damaging effect of the variant on protein function. The variant allele was found at a frequency of 0.00025 in 246950 control chromosomes, predominantly at a frequency of 0.003 within the African or African-American subpopulation in the gnomAD database. The observed variant frequency within African or African-American control individuals in the gnomAD database exceeds the estimated maximal expected allele frequency for a pathogenic variant in FLI1 causing Bleeding Disorder, Platelet-Type, 21 phenotype. To our knowledge, no occurrence of c.74C>T in individuals affected with Bleeding Disorder, Platelet-Type, 21 and no experimental evidence demonstrating its impact on protein function have been reported. ClinVar contains an entry for this variant (Variation ID: 713759). Based on the evidence outlined above, the variant was classified as likely benign.

Breakthrough Genomics
Classification: Likely benign. Review status: criteria provided, single submitter. Criteria: ACMG Guidelines, 2015. Collection method: not provided. Allele origin: germline. Inheritance: Autosomal dominant inheritance. Affected: yes.

ISTH-SSC Genomics in Thrombosis and Hemostasis, KU Leuven, Center for Molecular and Vascular Biology
Classification: Uncertain significance for Bleeding disorder, platelet-type, 21. Review status: criteria provided, single submitter. Criteria: ACMG Guidelines, 2015. Collection method: clinical testing. Allele origin: germline. Affected: yes. Observed: 1 heterozygote.
Comment: Submitted to GoldVariant by Jose María Bastida and José Rivera; Grupo Español de Alteraciones Plaquetarias Congénitas (GEAPC)

PreventionGenetics, part of Exact Sciences
Classification: Likely benign for FLI1-related condition. Last evaluated: 2021-07-28. Review status: no assertion criteria provided. Collection method: clinical testing. Allele origin: germline. Not counted in ClinVar's aggregate classification.
Comment: This variant is classified as likely benign based on ACMG/AMP sequence variant interpretation guidelines (Richards et al. 2015 PMID: 25741868, with internal and published modifications).

NM_002017.5(FLI1):c.74C>T (p.Ala25Val)

Gene: FLI1 (Fli-1 proto-oncogene, ETS transcription factor; plus strand). Cytogenetic location: 11q24.3.
Variant type: single nucleotide variant.
Coding change: c.74C>T on transcript NM_002017.5 (MANE Select); coding-DNA position 74, C replaced by T.
Protein change: p.Ala25Val; replaces alanine 25 with valine.
Molecular consequence: missense variant. On other transcripts: 5 prime UTR variant (3).
Genome position (GRCh38, 1-based): chr11:128,758,170, C>T. VCF-style: chr11-128758170-C-T. GRCh37 (hg19) VCF-style: chr11-128628065-C-T.
Other names: c.-26C>T (NM_001167681.3); c.-296C>T (NM_001271010.2); c.-147C>T (NM_001271012.2); short protein forms A25V.
Identifiers: ClinVar variation 713759 (VCV000713759.16), dbSNP rs200865469, ClinGen allele CA6356928.